The following is an entry in ClinVar:

NM_000275.3(OCA2):c.655_658dup (p.Ser220delinsThrTer)

Gene: OCA2 (OCA2 melanosomal transmembrane protein; minus strand). Cytogenetic location: 15q13.1.
Variant type: Duplication.
Coding change: c.655_658dup on transcript NM_000275.3 (MANE Select); coding-DNA positions 655 to 658, 4 bases duplicated (CTTA; older notation c.655_658dupCTTA).
Protein change: p.Ser220delinsThrTer.
Molecular consequence: nonsense.
Genome position (GRCh38, 1-based): chr15:28,018,546-28,018,549, TAAG duplicated on the plus strand (CTTA on the coding strand, the reverse complement: OCA2 is on the minus strand). VCF-style (leftmost placement, unchanged base first): chr15-28018545-C-CTAAG. GRCh37 (hg19) VCF-style: chr15-28263691-C-CTAAG.
Other names: c.655_658dup, p.Ser220delinsThrTer (NM_001300984.2).
Identifiers: ClinVar variation 2829510 (VCV002829510.3), dbSNP rs2548453877, ClinGen allele CA2739278798.
Genomic context (GRCh38, chr15:28,018,545, plus strand): 5'-CCACTGGCCACTAGGGCCCCTGCCAGGTCCACCTGCAGCAGCGTGGAGTCCACGTGGCTG[C>CTAAG]TAAGGTTCACGGCTCGGAGAGTGTCAAGGAGAACCACAAGGCAGACAGGAGAAACCCCAT-3'

ClinVar aggregate classification (germline): Pathogenic (1 of 4 stars; one submission).

Submission:

Labcorp Genetics (formerly Invitae), Labcorp
Classification: Pathogenic. Last evaluated: 2023-01-17. Review status: criteria provided, single submitter. Criteria: Invitae Variant Classification Sherloc (09022015). Collection method: clinical testing. Allele origin: germline.
Comment: For these reasons, this variant has been classified as Pathogenic. This variant has not been reported in the literature in individuals affected with OCA2-related conditions. This variant is not present in population databases (gnomAD no frequency). This sequence change creates a premature translational stop signal (p.Ser220Thrfs*2) in the OCA2 gene. It is expected to result in an absent or disrupted protein product. Loss-of-function variants in OCA2 are known to be pathogenic (PMID: 19865097, 21541274).

Literature cited by the submitters: PubMed 19865097; PubMed 21541274.